The following is an entry in ClinVar:

ClinVar aggregate classification (germline): Uncertain significance. Review status: criteria provided, multiple submitters, no conflicts (2 of 4 stars). 2 submissions from 2 submitters: Uncertain significance (2). Last evaluated 2024-04-08.

Conditions:
Familial thoracic aortic aneurysm and aortic dissection (TAAD). Also called: Thoracic aortic aneurysms and dissections. Identifiers: Orphanet 91387, MedGen C4707243, MONDO:0019625.
Shprintzen-Goldberg syndrome (SGS). Also called: Marfanoid disorder with craniosynostosis type 1; Marfanoid craniosynostosis syndrome; Shprintzen-Goldberg marfanoid syndrome; SHPRINTZEN-GOLDBERG CRANIOSYNOSTOSIS SYNDROME; CRANIOSYNOSTOSIS WITH ARACHNODACTYLY AND ABDOMINAL HERNIAS. Identifiers: Orphanet 2462, MedGen C1321551, MONDO:0008426, OMIM 182212.

gnomAD v4.1: 2 of 1,612,502 alleles (0.00012%); highest among the groups gnomAD compares: East Asian, 0.0022%; no homozygotes.

Submissions (2):

Ambry Genetics
Classification: Uncertain significance for Familial thoracic aortic aneurysm and aortic dissection. Last evaluated: 2024-04-08. Review status: criteria provided, single submitter. Criteria: Ambry Variant Classification Scheme 2023. Collection method: clinical testing. Allele origin: germline.
Comment: The p.R455W variant (also known as c.1363C>T), located in coding exon 4 of the SKI gene, results from a C to T substitution at nucleotide position 1363. The arginine at codon 455 is replaced by tryptophan, an amino acid with dissimilar properties. This amino acid position is conserved. In addition, the in silico prediction for this alteration is inconclusive. Based on the available evidence, the clinical significance of this variant remains unclear.

Labcorp Genetics (formerly Invitae), Labcorp
Classification: Uncertain significance for Shprintzen-Goldberg syndrome. Last evaluated: 2019-03-18. Review status: criteria provided, single submitter. Criteria: Invitae Variant Classification Sherloc (09022015). Collection method: clinical testing. Allele origin: germline.
Comment: In summary, the available evidence is currently insufficient to determine the role of this variant in disease. Therefore, it has been classified as a Variant of Uncertain Significance. Algorithms developed to predict the effect of missense changes on protein structure and function are either unavailable or do not agree on the potential impact of this missense change (SIFT: "Deleterious"; PolyPhen-2: "Probably Damaging"; Align-GVGD: "Class C0"). This variant has not been reported in the literature in individuals with SKI-related conditions. This variant is not present in population databases (ExAC no frequency). This sequence change replaces arginine with tryptophan at codon 455 of the SKI protein (p.Arg455Trp). The arginine residue is highly conserved and there is a moderate physicochemical difference between arginine and tryptophan.

NM_003036.4(SKI):c.1363C>T (p.Arg455Trp)

Gene: SKI (SKI proto-oncogene; plus strand). Cytogenetic location: 1p36.32.
Variant type: single nucleotide variant.
Coding change: c.1363C>T on transcript NM_003036.4 (MANE Select); coding-DNA position 1363, C replaced by T.
Protein change: p.Arg455Trp; replaces arginine 455 with tryptophan.
Molecular consequence: missense variant.
Genome position (GRCh38, 1-based): chr1:2,303,991, C>T. VCF-style: chr1-2303991-C-T. GRCh37 (hg19) VCF-style: chr1-2235430-C-T.
Other names: short protein forms R455W.
Identifiers: ClinVar variation 857755 (VCV000857755.10), dbSNP rs1640495570, ClinGen allele CA337955468.